The following is an entry in ClinVar:

ClinVar aggregate classification (germline): Uncertain significance (1 of 4 stars; one submission).

Submission:

GeneDx
Classification: Uncertain significance. Last evaluated: 2021-03-29. Review status: criteria provided, single submitter. Criteria: GeneDx Variant Classification Process June 2021. Collection method: clinical testing. Allele origin: germline. Affected: yes.
Comment: In silico analysis supports that this variant does not alter protein structure/function; Not observed in large population cohorts (Lek et al., 2016); Has not been previously published as pathogenic or benign to our knowledge

NM_001257293.2(HNRNPH1):c.1336_1339del (p.Ser446fs)

Genes: HNRNPH1 (heterogeneous nuclear ribonucleoprotein H1; minus strand), LOC128966623 (uncharacterized protein C5orf60; plus strand). Cytogenetic location: 5q35.3.
Variant type: Microsatellite.
Coding change: c.1336_1339del on transcript NM_001257293.2 (MANE Select); coding-DNA positions 1336 to 1339, 4 bases deleted (TCAA; older notation c.1336_1339delTCAA).
Protein change: p.Ser446fs; shifts the reading frame from serine 446.
Molecular consequence: frameshift variant. On other transcripts: intron variant (11).
Genome position (GRCh38, 1-based): chr5:179,615,557-179,615,560, TTGA deleted on the plus strand (TCAA on the coding strand, the reverse complement: HNRNPH1 is on the minus strand); deleting any 4 consecutive bases within chr5:179,615,557-179,615,564 gives the same sequence; the c. name uses the placement nearest the transcript's 3' end. VCF-style (leftmost placement, unchanged base first): chr5-179615556-TTTGA-T. GRCh37 (hg19) VCF-style: chr5-179042557-TTTGA-T.
Other names: c.1276_1279del, p.Ser426fs (NM_001363572.2, NM_001364245.2, NM_001364246.2 and 1 more transcripts); c.1345_1348del, p.Ser449fs (NM_001364231.2); c.1336_1339del, p.Ser446fs (NM_001364233.2, NM_001364234.2, NM_001364235.2 and 5 more transcripts); c.1315_1318del, p.Ser439fs (NM_001364241.2, NM_001364242.2, NM_001364243.2); c.1306_1309del, p.Ser436fs (NM_001364244.2); c.1255_1258del, p.Ser419fs (NM_001364248.2); c.1180_1183del, p.Ser394fs (NM_001364250.2); c.733_736del, p.Ser245fs (NM_001364254.2, NM_001364255.2); and 4 more; short protein forms S245fs, S394fs, S419fs, S426fs, S436fs, S439fs, S446fs, S449fs.
Identifiers: ClinVar variation 1312558 (VCV001312558.2), dbSNP rs2127599911, ClinGen allele CA2580614810.